The following is an entry in ClinVar:

NM_007294.4(BRCA1):c.1557G>C (p.Lys519Asn)

Gene: BRCA1 (BRCA1 DNA repair associated; minus strand). Cytogenetic location: 17q21.31.
Variant type: single nucleotide variant.
Coding change: c.1557G>C on transcript NM_007294.4 (MANE Select); coding-DNA position 1557, G replaced by C.
Protein change: p.Lys519Asn; replaces lysine 519 with asparagine.
Molecular consequence: missense variant. On other transcripts: intron variant (137).
Genome position (GRCh38, 1-based): chr17:43,093,974, C>G on the plus strand (G>C on the coding strand, the complement: BRCA1 is on the minus strand). VCF-style: chr17-43093974-C-G. GRCh37 (hg19) VCF-style: chr17-41245991-C-G.
Other names: c.1344G>C, p.Lys448Asn (NM_001407571.1, NM_001407853.1, NM_001407894.1 and 9 more transcripts); c.1557G>C, p.Lys519Asn (NM_001407581.1, NM_001407582.1, NM_001407583.1 and 30 more transcripts); c.1554G>C, p.Lys518Asn (NM_001407587.1, NM_001407590.1, NM_001407591.1 and 22 more transcripts); c.1548G>C, p.Lys516Asn (NM_001407646.1, NM_001407647.1); c.1434G>C, p.Lys478Asn (NM_001407648.1, NM_001407664.1, NM_001407665.1 and 19 more transcripts); c.1431G>C, p.Lys477Asn (NM_001407649.1, NM_001407670.1, NM_001407671.1 and 11 more transcripts); c.1479G>C, p.Lys493Asn (NM_001407653.1, NM_001407654.1, NM_001407655.1 and 4 more transcripts); c.1476G>C, p.Lys492Asn (NM_001407659.1, NM_001407660.1, NM_001407661.1 and 1 more transcripts); and 40 more; short protein forms K519N, K472N, K351N, K408N, K448N, K449N, K451N, K493N.
Identifiers: ClinVar variation 1389897 (VCV001389897.13), dbSNP rs2154437017, ClinGen allele CA10598932.

ClinVar aggregate classification (germline): Conflicting classifications of pathogenicity. Review status: criteria provided, conflicting classifications (1 of 4 stars). 3 submissions from 3 submitters: Uncertain significance (2); Likely benign (1). Last evaluated 2023-06-09.

Conditions:
Hereditary cancer-predisposing syndrome. Also called: Neoplastic Syndromes, Hereditary; Tumor predisposition; Hereditary neoplastic syndrome; Hereditary Cancer Syndrome. Identifiers: Orphanet 140162, MedGen C0027672, MeSH D009386, MONDO:0015356.
Hereditary breast ovarian cancer syndrome. Also called: Hereditary breast and ovarian cancer syndrome; Hereditary breast and ovarian cancer; BRCA1- and BRCA2-Associated Hereditary Breast and Ovarian Cancer; Hereditary breast and/or ovarian cancer syndrome; Hereditary breast and ovarian cancer syndrome (HBOC); Breast and ovarian cancer. Identifiers: Orphanet 145, MedGen C0677776, MeSH D061325, MONDO:0003582. Disease mechanism: loss of function.

Submissions (3):

Ambry Genetics
Classification: Uncertain significance for Hereditary cancer-predisposing syndrome. Last evaluated: 2023-06-09. Review status: criteria provided, single submitter. Criteria: Ambry Variant Classification Scheme 2023. Collection method: clinical testing. Allele origin: germline.
Comment: The p.K519N variant (also known as c.1557G>C), located in coding exon 9 of the BRCA1 gene, results from a G to C substitution at nucleotide position 1557. The lysine at codon 519 is replaced by asparagine, an amino acid with similar properties. This amino acid position is highly conserved in available vertebrate species. In addition, this alteration is predicted to be deleterious by in silico analysis. Since supporting evidence is limited at this time, the clinical significance of this alteration remains unclear.

University of Washington Department of Laboratory Medicine, University of Washington
Classification: Likely benign for Hereditary cancer-predisposing syndrome. Last evaluated: 2023-03-23. Review status: criteria provided, single submitter. Criteria: Dines et al. (Genet Med. 2020). Collection method: curation. Allele origin: germline.
Comment: Missense variant in a coldspot region where missense variants are very unlikely to be pathogenic (PMID:31911673).

BRCA1 coldspot (exon 11 using historical exon numbering). Reclassification based on statistical prior probability

Labcorp Genetics (formerly Invitae), Labcorp
Classification: Uncertain significance for Hereditary breast ovarian cancer syndrome. Last evaluated: 2021-06-19. Review status: criteria provided, single submitter. Criteria: Invitae Variant Classification Sherloc (09022015). Collection method: clinical testing. Allele origin: germline.
Comment: This sequence change replaces lysine with asparagine at codon 519 of the BRCA1 protein (p.Lys519Asn). The lysine residue is highly conserved and there is a moderate physicochemical difference between lysine and asparagine. In summary, the available evidence is currently insufficient to determine the role of this variant in disease. Therefore, it has been classified as a Variant of Uncertain Significance. Advanced modeling of protein sequence and biophysical properties (such as structural, functional, and spatial information, amino acid conservation, physicochemical variation, residue mobility, and thermodynamic stability) performed at Invitae indicates that this missense variant is not expected to disrupt BRCA1 protein function. This variant has not been reported in the literature in individuals with BRCA1-related conditions. This variant is not present in population databases (ExAC no frequency).